The following is an entry in ClinVar:

ClinVar aggregate classification (germline): Uncertain significance (0 of 4 stars; one submission).

Conditions:
UNC13A-related disorder. Also called: UNC13A-related condition.

Submission:

PreventionGenetics, part of Exact Sciences
Classification: Uncertain significance for UNC13A-related condition. Last evaluated: 2024-07-18. Review status: no assertion criteria provided. Collection method: clinical testing. Allele origin: germline.
Comment: The UNC13A c.1243G>A variant is predicted to result in the amino acid substitution p.Glu415Lys. To our knowledge, this variant has not been reported in the literature or in a large population database, indicating this variant is rare. At this time, the clinical significance of this variant is uncertain due to the absence of conclusive functional and genetic evidence.

NM_001080421.3(UNC13A):c.1243G>A (p.Glu415Lys)

Gene: UNC13A (unc-13 homolog A; minus strand). Cytogenetic location: 19p13.11.
Variant type: single nucleotide variant.
Coding change: c.1243G>A on transcript NM_001080421.3 (MANE Select); coding-DNA position 1243, G replaced by A.
Protein change: p.Glu415Lys; replaces glutamic acid 415 with lysine.
Molecular consequence: missense variant.
Genome position (GRCh38, 1-based): chr19:17,655,923, C>T on the plus strand (G>A on the coding strand, the complement: UNC13A is on the minus strand). VCF-style: chr19-17655923-C-T. GRCh37 (hg19) VCF-style: chr19-17766732-C-T.
Other names: c.1243G>A, p.Glu415Lys (NM_001387021.1, NM_001387022.1, NM_001387023.1); short protein forms E415K.
Identifiers: ClinVar variation 3356113 (VCV003356113.1).